The following is an entry in ClinVar:

NM_004333.6(BRAF):c.511G>A (p.Ala171Thr)

Gene: BRAF (B-Raf proto-oncogene, serine/threonine kinase; minus strand). Cytogenetic location: 7q34.
Variant type: single nucleotide variant.
Coding change: c.511G>A on transcript NM_004333.6 (MANE Select); coding-DNA position 511, G replaced by A.
Protein change: p.Ala171Thr; replaces alanine 171 with threonine.
Molecular consequence: missense variant.
Genome position (GRCh38, 1-based): chr7:140,808,989, C>T on the plus strand (G>A on the coding strand, the complement: BRAF is on the minus strand). VCF-style: chr7-140808989-C-T. GRCh37 (hg19) VCF-style: chr7-140508789-C-T.
Other names: c.511G>A, p.Ala171Thr (NM_001354609.2, NM_001374244.1, NM_001374258.1 and 5 more transcripts); c.409G>A, p.Ala137Thr (NM_001378470.1); c.355G>A, p.Ala119Thr (NM_001378472.1, NM_001378473.1); c.247G>A, p.Ala83Thr (NM_001378475.1); short protein forms A83T, A171T, A119T, A137T.
Identifiers: ClinVar variation 4740114 (VCV004740114.1).

ClinVar aggregate classification (germline): Uncertain significance (1 of 4 stars; one submission).

Conditions:
RASopathy. Also called: rasopathies; Noonan spectrum disorder. Identifiers: Orphanet 536391, MedGen C5555857, MONDO:0021060.

Submission:

Labcorp Genetics (formerly Invitae), Labcorp
Classification: Uncertain significance for RASopathy. Last evaluated: 2025-05-15. Review status: criteria provided, single submitter. Criteria: Invitae Variant Classification Sherloc (09022015). Collection method: clinical testing. Allele origin: germline.
Comment: This sequence change replaces alanine, which is neutral and non-polar, with threonine, which is neutral and polar, at codon 171 of the BRAF protein (p.Ala171Thr). This variant is present in population databases (rs768694358, gnomAD 0.01%). This variant has not been reported in the literature in individuals affected with BRAF-related conditions. Invitae Evidence Modeling of protein sequence and biophysical properties (such as structural, functional, and spatial information, amino acid conservation, physicochemical variation, residue mobility, and thermodynamic stability) indicates that this missense variant is not expected to disrupt BRAF protein function with a negative predictive value of 80%. In summary, the available evidence is currently insufficient to determine the role of this variant in disease. Therefore, it has been classified as a Variant of Uncertain Significance.